The following is an entry in ClinVar:

NM_012193.4(FZD4):c.932T>G (p.Phe311Cys)

Genes: FZD4 (frizzled class receptor 4; minus strand), PRSS23 (serine protease 23; plus strand). Cytogenetic location: 11q14.2.
Variant type: single nucleotide variant.
Coding change: c.932T>G on transcript NM_012193.4 (MANE Select); coding-DNA position 932, T replaced by G.
Protein change: p.Phe311Cys; replaces phenylalanine 311 with cysteine.
Molecular consequence: missense variant. On other transcripts: non-coding transcript variant (2).
Genome position (GRCh38, 1-based): chr11:86,951,824, A>C on the plus strand (T>G on the coding strand, the complement: FZD4 is on the minus strand). VCF-style: chr11-86951824-A-C. GRCh37 (hg19) VCF-style: chr11-86662866-A-C.
Other names: c.932T>G (NM_012193.3); short protein forms F311C.
Identifiers: ClinVar variation 1415787 (VCV001415787.7), dbSNP rs771158006, ClinGen allele CA6218394.

ClinVar aggregate classification (germline): Uncertain significance. Review status: criteria provided, multiple submitters, no conflicts (2 of 4 stars). 2 submissions from 2 submitters: Uncertain significance (2). Last evaluated 2024-07-12.

Conditions:
Inborn genetic diseases. Identifiers: MedGen C0950123, MeSH D030342.

Allele frequency attached by ClinVar (database versions not stated): ExAC 0.00001; gnomAD exomes 0.00001; TOPMed 0.00003; gnomAD 0.00004.
gnomAD v4.1: 12 of 1,613,886 alleles (0.00074%); highest among the groups gnomAD compares: African/African-American, 0.016%; no homozygotes.

Submissions (2):

Labcorp Genetics (formerly Invitae), Labcorp
Classification: Uncertain significance. Last evaluated: 2024-07-12. Review status: criteria provided, single submitter. Criteria: Invitae Variant Classification Sherloc (09022015). Collection method: clinical testing. Allele origin: germline.
Comment: This sequence change replaces phenylalanine, which is neutral and non-polar, with cysteine, which is neutral and slightly polar, at codon 311 of the FZD4 protein (p.Phe311Cys). This variant is present in population databases (rs771158006, gnomAD 0.02%). This variant has not been reported in the literature in individuals affected with FZD4-related conditions. ClinVar contains an entry for this variant (Variation ID: 1415787). Advanced modeling of protein sequence and biophysical properties (such as structural, functional, and spatial information, amino acid conservation, physicochemical variation, residue mobility, and thermodynamic stability) performed at Invitae indicates that this missense variant is not expected to disrupt FZD4 protein function with a negative predictive value of 80%. In summary, the available evidence is currently insufficient to determine the role of this variant in disease. Therefore, it has been classified as a Variant of Uncertain Significance.

Ambry Genetics
Classification: Uncertain significance for Inborn genetic diseases. Last evaluated: 2024-01-30. Review status: criteria provided, single submitter. Criteria: Ambry Variant Classification Scheme 2023. Collection method: clinical testing. Allele origin: germline.